The following is an entry in ClinVar:

ClinVar aggregate classification (germline): Uncertain significance (1 of 4 stars; one submission).

Conditions:
Gamma-aminobutyric acid transaminase deficiency (GABATD). Also called: GABA transaminase deficiency; Gamma aminobutyrate transaminase deficiency; 4 alpha aminobutyrate transaminase deficiency; GABA aminotransaminase deficiency. Identifiers: Orphanet 2066, MedGen C0342708, MONDO:0013166, OMIM 613163.

Submission:

Labcorp Genetics (formerly Invitae), Labcorp
Classification: Uncertain significance for Gamma-aminobutyric acid transaminase deficiency. Last evaluated: 2018-10-25. Review status: criteria provided, single submitter. Criteria: Invitae Variant Classification Sherloc (09022015). Collection method: clinical testing. Allele origin: germline.
Comment: In summary, the available evidence is currently insufficient to determine the role of this variant in disease. Therefore, it has been classified as a Variant of Uncertain Significance. Algorithms developed to predict the effect of sequence changes on RNA splicing suggest that this variant may create or strengthen a splice site, but this prediction has not been confirmed by published transcriptional studies. Algorithms developed to predict the effect of missense changes on protein structure and function are either unavailable or do not agree on the potential impact of this missense change (SIFT: "Deleterious"; PolyPhen-2: "Benign"; Align-GVGD: "Class C15"). This variant has not been reported in the literature in individuals with ABAT-related disease. This variant is not present in population databases (ExAC no frequency). This sequence change replaces glutamic acid with valine at codon 79 of the ABAT protein (p.Glu79Val). The glutamic acid residue is moderately conserved and there is a moderate physicochemical difference between glutamic acid and valine.

NM_020686.6(ABAT):c.236A>T (p.Glu79Val)

Gene: ABAT (4-aminobutyrate aminotransferase; plus strand). Cytogenetic location: 16p13.2.
Variant type: single nucleotide variant.
Coding change: c.236A>T on transcript NM_020686.6 (MANE Select); coding-DNA position 236, A replaced by T.
Protein change: p.Glu79Val; replaces glutamic acid 79 with valine.
Molecular consequence: missense variant. On other transcripts: intron variant (1).
Genome position (GRCh38, 1-based): chr16:8,750,459, A>T. VCF-style: chr16-8750459-A-T. GRCh37 (hg19) VCF-style: chr16-8844316-A-T.
Other names: c.236A>T, p.Glu79Val (NM_000663.5, NM_001127448.2, NM_001386600.1 and 11 more transcripts); c.101A>T, p.Glu34Val (NM_001386610.1, NM_001386611.1, NM_001386612.1 and 1 more transcripts); c.71-7298A>T (NM_001386614.1); short protein forms E79V, E34V.
Identifiers: ClinVar variation 658678 (VCV000658678.9), dbSNP rs1596454363, ClinGen allele CA394687824.
Genomic context (GRCh38, chr16:8,750,459, plus strand): 5'-AGTTGGTCTTTTCTTTCTCCAAGAATGCAGAGGCTGTGCATTTTTTCTGCAATTACGAAG[A>T]GAGCCGAGGCAATTACCTGGTTGATGTGGACGGCAACCGAATGCTGGATCTTTATTCCCA-3'
Protein context (NP_065737.2, residues 69-89): EAVHFFCNYE[Glu79Val]SRGNYLVDVD